The following is an entry in ClinVar:

ClinVar aggregate classification (germline): Uncertain significance. Review status: criteria provided, single submitter (1 of 4 stars). 2 submissions from 2 submitters: Uncertain significance (1). 1 of the submissions does not count toward it. Last evaluated 2018-04-12.

Conditions:
Tay-Sachs disease (TSD). Also called: HEXA Disorders; HEXA DEFICIENCY; Hexosaminidase A Deficiency; GM2 gangliosidosis, type 1; Hexosaminidase alpha-subunit deficiency (variant B); Sphingolipidosis, Tay-Sachs. Identifiers: Orphanet 845, MedGen C0039373, MONDO:0010100, OMIM 272800.

Allele frequency attached by ClinVar (database versions not stated): TOPMed below 0.00001; gnomAD exomes 0.00001; ExAC 0.00003.
gnomAD v4.1: 4 of 1,613,932 alleles (0.00025%); highest among the groups gnomAD compares: East Asian, 0.0067%; no homozygotes.

Submissions (2):

Labcorp Genetics (formerly Invitae), Labcorp
Classification: Uncertain significance for Tay-Sachs disease. Last evaluated: 2018-04-12. Review status: criteria provided, single submitter. Criteria: Invitae Variant Classification Sherloc (09022015). Collection method: clinical testing. Allele origin: germline.
Comment: This sequence change replaces leucine with proline at codon 440 of the HEXA protein (p.Leu440Pro). The leucine residue is moderately conserved and there is a moderate physicochemical difference between leucine and proline. This variant is present in population databases (rs752223090, ExAC 0.02%). This variant has not been reported in the literature in individuals with HEXA-related disease. Algorithms developed to predict the effect of missense changes on protein structure and function do not agree on the potential impact of this missense change (SIFT: "Tolerated"; PolyPhen-2: "Probably Damaging"; Align-GVGD: "Class C0"). In summary, the available evidence is currently insufficient to determine the role of this variant in disease. Therefore, it has been classified as a Variant of Uncertain Significance.

Counsyl
Classification: Uncertain significance for Tay-Sachs disease. Last evaluated: 2017-11-16. Review status: no assertion criteria provided. Collection method: clinical testing. Allele origin: unknown. Not counted in ClinVar's aggregate classification.

NM_000520.6(HEXA):c.1319T>C (p.Leu440Pro)

Gene: HEXA (hexosaminidase subunit alpha; minus strand). Cytogenetic location: 15q23.
Variant type: single nucleotide variant.
Coding change: c.1319T>C on transcript NM_000520.6 (MANE Select); coding-DNA position 1319, T replaced by C.
Protein change: p.Leu440Pro; replaces leucine 440 with proline.
Molecular consequence: missense variant.
Genome position (GRCh38, 1-based): chr15:72,346,538, A>G on the plus strand (T>C on the coding strand, the complement: HEXA is on the minus strand). VCF-style: chr15-72346538-A-G. GRCh37 (hg19) VCF-style: chr15-72638879-A-G.
Other names: c.1352T>C, p.Leu451Pro (NM_001318825.2); short protein forms L440P, L451P.
Identifiers: ClinVar variation 555015 (VCV000555015.4), dbSNP rs752223090, ClinGen allele CA7644736.